The following is an entry in ClinVar:

NM_001127511.3(APC):c.-15_-9del

Gene: APC (APC regulator of Wnt signaling pathway; plus strand). Cytogenetic location: 5q22.2.
Variant type: Deletion.
Coding change: c.-15_-9del on transcript NM_001127511.3; 15 bases upstream of the start codon through 9 bases upstream of the start codon, 7 bases deleted (GCCTCGG; older notation c.-15_-9delGCCTCGG).
Molecular consequence: 5 prime UTR variant. On other transcripts: intron variant (5), non-coding transcript variant (1).
Genome position (GRCh38, 1-based): chr5:112,707,703-112,707,709, GCCTCGG deleted; deleting any 7 consecutive bases within chr5:112,707,698-112,707,709 gives the same sequence; the c. name uses the placement nearest the transcript's 3' end. VCF-style (leftmost placement, unchanged base first): chr5-112707697-TCTCGGGC-T. GRCh37 (hg19) VCF-style: chr5-112043394-TCTCGGGC-T.
Other names: c.-19+54_-19+60del (NM_001407457.1, NM_001407458.1, NM_001407448.1 and 1 more transcripts); c.-43+54_-43+60del (NM_001407453.1); c.-198_-192del (NM_001354895.2, NM_001407447.1, NM_001407452.1 and 3 more transcripts); c.-15_-9del (NM_001354897.2, NM_001354902.2, NM_001407446.1); c.-1233_-1227del (NM_001407470.1, NM_001407472.1).
Identifiers: ClinVar variation 3709659 (VCV003709659.2).

ClinVar aggregate classification (germline): Uncertain significance (1 of 4 stars; one submission).

Conditions:
Familial adenomatous polyposis 1 (FAP1). Also called: FAMILIAL ADENOMATOUS POLYPOSIS 1, ATTENUATED; POLYPOSIS, ADENOMATOUS INTESTINAL. Identifiers: MedGen C2713442, MONDO:0021056, OMIM 175100. Disease mechanism: loss of function.

Submission:

Labcorp Genetics (formerly Invitae), Labcorp
Classification: Uncertain significance for Familial adenomatous polyposis 1. Last evaluated: 2024-10-02. Review status: criteria provided, single submitter. Criteria: Invitae Variant Classification Sherloc (09022015). Collection method: clinical testing. Allele origin: germline.
Comment: This variant occurs in a non-coding region of the APC gene. It does not change the encoded amino acid sequence of the APC protein. This variant is present in population databases (no rsID available, gnomAD 0.002%). This variant has not been reported in the literature in individuals affected with APC-related conditions. Experimental studies and prediction algorithms are not available or were not evaluated, and the functional significance of this variant is currently unknown. In summary, the available evidence is currently insufficient to determine the role of this variant in disease. Therefore, it has been classified as a Variant of Uncertain Significance.